The following is an entry in ClinVar:

NM_001848.3(COL6A1):c.503C>T (p.Pro168Leu)

Gene: COL6A1 (collagen type VI alpha 1 chain; plus strand). Cytogenetic location: 21q22.3.
Variant type: single nucleotide variant.
Coding change: c.503C>T on transcript NM_001848.3 (MANE Select); coding-DNA position 503, C replaced by T.
Protein change: p.Pro168Leu; replaces proline 168 with leucine.
Molecular consequence: missense variant.
Genome position (GRCh38, 1-based): chr21:45,986,600, C>T. VCF-style: chr21-45986600-C-T. GRCh37 (hg19) VCF-style: chr21-47406514-C-T.
Other names: short protein forms P168L.
Identifiers: ClinVar variation 2015331 (VCV002015331.4), dbSNP rs921797028, ClinGen allele CA410518026.

ClinVar aggregate classification (germline): Uncertain significance (1 of 4 stars; one submission).

Conditions:
Bethlem myopathy 1A. Also called: MYOPATHY, BENIGN CONGENITAL, WITH CONTRACTURES; Bethlem myopathy 1; Bethlem Muscular Dystrophy. Identifiers: Orphanet 610, MedGen CN029274, MONDO:0024530, OMIM 158810.

Submission:

Labcorp Genetics (formerly Invitae), Labcorp
Classification: Uncertain significance for Bethlem myopathy 1A. Last evaluated: 2022-08-12. Review status: criteria provided, single submitter. Criteria: Invitae Variant Classification Sherloc (09022015). Collection method: clinical testing. Allele origin: germline.
Comment: In summary, the available evidence is currently insufficient to determine the role of this variant in disease. Therefore, it has been classified as a Variant of Uncertain Significance. Algorithms developed to predict the effect of missense changes on protein structure and function are either unavailable or do not agree on the potential impact of this missense change (SIFT: "Deleterious"; PolyPhen-2: "Not Available"; Align-GVGD: "Class C0"). This variant has not been reported in the literature in individuals affected with COL6A1-related conditions. This variant is not present in population databases (gnomAD no frequency). This sequence change replaces proline, which is neutral and non-polar, with leucine, which is neutral and non-polar, at codon 168 of the COL6A1 protein (p.Pro168Leu).